The following is an entry in ClinVar:

ClinVar aggregate classification (germline): Uncertain significance (1 of 4 stars; one submission).

Submission:

GeneDx
Classification: Uncertain significance. Last evaluated: 2026-04-16. Review status: criteria provided, single submitter. Criteria: GeneDx Variant Classification Process June 2021. Collection method: clinical testing. Allele origin: germline.
Comment: Not observed at significant frequency in large population cohorts (gnomAD); In silico analysis suggests that this missense variant does not alter protein structure/function; Has not been previously published as pathogenic or benign to our knowledge

NM_006265.3(RAD21):c.828T>G (p.Asp276Glu)

Gene: RAD21 (RAD21 cohesin complex component; minus strand). Cytogenetic location: 8q24.11.
Variant type: single nucleotide variant.
Coding change: c.828T>G on transcript NM_006265.3 (MANE Select); coding-DNA position 828, T replaced by G.
Protein change: p.Asp276Glu; replaces aspartic acid 276 with glutamic acid.
Molecular consequence: missense variant.
Genome position (GRCh38, 1-based): chr8:116,856,275, A>C on the plus strand (T>G on the coding strand, the complement: RAD21 is on the minus strand). VCF-style: chr8-116856275-A-C. GRCh37 (hg19) VCF-style: chr8-117868514-A-C.
Other names: short protein forms D276E.
Identifiers: ClinVar variation 5037174 (VCV005037174.1).